The following is an entry in ClinVar:

NM_007118.4(TRIO):c.4831G>A (p.Ala1611Thr)

Gene: TRIO (trio Rho guanine nucleotide exchange factor; plus strand). Cytogenetic location: 5p15.2.
Variant type: single nucleotide variant.
Coding change: c.4831G>A on transcript NM_007118.4 (MANE Select); coding-DNA position 4831, G replaced by A.
Protein change: p.Ala1611Thr; replaces alanine 1611 with threonine.
Molecular consequence: missense variant. On other transcripts: non-coding transcript variant (1).
Genome position (GRCh38, 1-based): chr5:14,405,962, G>A. VCF-style: chr5-14405962-G-A. GRCh37 (hg19) VCF-style: chr5-14406071-G-A.
Other names: short protein forms A1611T.
Identifiers: ClinVar variation 1305127 (VCV001305127.2), dbSNP rs771279874, ClinGen allele CA3206578.

ClinVar aggregate classification (germline): Uncertain significance (1 of 4 stars; one submission).

gnomAD v4.1: 13 of 1,604,340 alleles (0.00081%); highest among the groups gnomAD compares: African/African-American, 0.0027%; no homozygotes.

Submission:

GeneDx
Classification: Uncertain significance. Last evaluated: 2019-04-18. Review status: criteria provided, single submitter. Criteria: GeneDx Variant Classification Process June 2021. Collection method: clinical testing. Allele origin: germline. Affected: yes.
Comment: In silico analysis, which includes protein predictors and evolutionary conservation, supports that this variant does not alter protein structure/function; Has not been previously published as pathogenic or benign to our knowledge